The following is an entry in ClinVar:

NM_058216.3(RAD51C):c.224_225dup (p.Ala76fs)

Gene: RAD51C (RAD51 paralog C; plus strand). Cytogenetic location: 17q22.
Variant type: Microsatellite.
Coding change: c.224_225dup on transcript NM_058216.3 (MANE Select); coding-DNA positions 224 to 225, 2 bases duplicated (AT; older notation c.224_225dupAT).
Protein change: p.Ala76fs; shifts the reading frame from alanine 76.
Molecular consequence: frameshift variant. On other transcripts: non-coding transcript variant (2).
Genome position (GRCh38, 1-based): chr17:58,695,009-58,695,010, AT duplicated; duplicating any 2 consecutive bases within chr17:58,695,007-58,695,010 gives the same sequence; the c. name uses the placement nearest the transcript's 3' end. VCF-style (leftmost placement, unchanged base first): chr17-58695006-G-GAT. GRCh37 (hg19) VCF-style: chr17-56772367-G-GAT.
Other names: c.224_225dup, p.Ala76fs (NM_002876.4); c.224_225dupAT (NM_058216.2); short protein forms A76fs.
Identifiers: ClinVar variation 820944 (VCV000820944.22), dbSNP rs1598455598, ClinGen allele CA501074582.

ClinVar aggregate classification (germline): Pathogenic/Likely pathogenic. Review status: criteria provided, multiple submitters, no conflicts (2 of 4 stars). 7 submissions from 7 submitters: Pathogenic (5); Likely pathogenic (2). Last evaluated 2026-03-24.

Conditions:
RAD51C-related disorder. Also called: RAD51C-related disorders; RAD51C-related condition.
Hereditary cancer-predisposing syndrome. Also called: Neoplastic Syndromes, Hereditary; Hereditary Cancer Syndrome; Tumor predisposition; Hereditary neoplastic syndrome. Identifiers: Orphanet 140162, MedGen C0027672, MeSH D009386, MONDO:0015356.
Breast-ovarian cancer, familial, susceptibility to, 3. Also called: RAD51C-Related Breast/Ovarian Cancer. Identifiers: Orphanet 145, MedGen C3150659, MONDO:0013253, OMIM 613399.
Hereditary breast ovarian cancer syndrome. Also called: BRCA1- and BRCA2-Associated Hereditary Breast and Ovarian Cancer; Hereditary breast and ovarian cancer syndrome; Hereditary breast and ovarian cancer syndrome (HBOC); Hereditary breast and ovarian cancer; Breast and ovarian cancer; Hereditary breast and/or ovarian cancer syndrome. Identifiers: Orphanet 145, MedGen C0677776, MeSH D061325, MONDO:0003582. Disease mechanism: loss of function.
Fanconi anemia complementation group O. Also called: RAD51C-Related Fanconi Anemia. Identifiers: Orphanet 84, MedGen C3150653, MONDO:0013248, OMIM 613390.

Submissions (7):

PreventionGenetics, part of Exact Sciences
Classification: Pathogenic for RAD51C-related condition. Last evaluated: 2026-03-24. Review status: criteria provided, single submitter. Criteria: ACMG Guidelines, 2015. Collection method: clinical testing. Allele origin: germline.
Comment: The RAD51C c.224_225dupAT variant is predicted to result in a frameshift and premature protein termination (p.Ala76Metfs*26). This variant was reported in an individual with ovarian cancer (Suszynska et al. 2020. PubMed ID: 32359370) and in an individual with renal cell carcinoma (Table S6, Kotecha et al. 2023. PubMed ID: 37864521). It is documented in the ClinVar database with classifications of pathogenic and likely pathogenic (Variation ID: 820944). This variant has not been reported in a large population database (gnomAD), indicating this variant is rare. Frameshift variants in RAD51C are expected to be pathogenic. This variant is interpreted as pathogenic.

Labcorp Genetics (formerly Invitae), Labcorp
Classification: Pathogenic for Fanconi anemia complementation group O. Last evaluated: 2024-10-24. Review status: criteria provided, single submitter. Criteria: Invitae Variant Classification Sherloc (09022015). Collection method: clinical testing. Allele origin: germline.
Comment: This sequence change creates a premature translational stop signal (p.Ala76Metfs*26) in the RAD51C gene. It is expected to result in an absent or disrupted protein product. Loss-of-function variants in RAD51C are known to be pathogenic (PMID: 20400964, 21990120, 24800917, 29278735). This variant is not present in population databases (gnomAD no frequency). This variant has not been reported in the literature in individuals affected with RAD51C-related conditions. ClinVar contains an entry for this variant (Variation ID: 820944). For these reasons, this variant has been classified as Pathogenic.

Myriad Genetics, Inc.
Classification: Pathogenic for Breast-ovarian cancer, familial, susceptibility to, 3. Last evaluated: 2024-01-02. Review status: criteria provided, single submitter. Criteria: Myriad Autosomal Dominant, Autosomal Recessive and X-Linked Classification Criteria (2023). Collection method: clinical testing. Allele origin: unknown.
Comment: This variant is considered pathogenic. This variant creates a frameshift predicted to result in premature protein truncation.

Baylor Genetics
Classification: Likely pathogenic for Breast-ovarian cancer, familial, susceptibility to, 3. Last evaluated: 2023-12-05. Review status: criteria provided, single submitter. Criteria: ACMG Guidelines, 2015. Collection method: clinical testing. Allele origin: unknown.

Color Diagnostics, LLC DBA Color Health
Classification: Pathogenic for Hereditary cancer-predisposing syndrome. Last evaluated: 2023-03-28. Review status: criteria provided, single submitter. Criteria: ACMG Guidelines, 2015. Collection method: clinical testing. Allele origin: germline.
Comment: This variant inserts 2 nucleotides in exon 2 of the RAD51C gene, creating a frameshift and premature translation stop signal. This variant is expected to result in an absent or non-functional protein product. This variant has been reported in individuals affected with ovarian cancer (PMID: 32359370). This variant has not been identified in the general population by the Genome Aggregation Database (gnomAD). Loss of RAD51C function is a known mechanism of disease. Based on the available evidence, this variant is classified as Pathogenic.

Women's Health and Genetics/Laboratory Corporation of America, LabCorp
Classification: Likely pathogenic for Hereditary breast ovarian cancer syndrome. Last evaluated: 2022-06-20. Review status: criteria provided, single submitter. Criteria: LabCorp Variant Classification Summary - May 2015. Collection method: clinical testing. Allele origin: germline.
Comment: Variant summary: RAD51C c.224_225dupAT (p.Ala76MetfsX26) results in a premature termination codon, predicted to cause a truncation of the encoded protein or absence of the protein due to nonsense mediated decay, which are commonly known mechanisms for disease. Truncations downstream of this position have been classified as pathogenic by our laboratory. The variant was absent in 251456 control chromosomes. c.224_225dupAT has been reported in the literature in at-least one individual affected with ovarian cancer (example, Suszynska_2020). To our knowledge, no experimental evidence demonstrating an impact on protein function has been reported. Three clinical diagnostic laboratories have submitted clinical-significance assessments for this variant to ClinVar after 2014 without evidence for independent evaluation. All laboratories classified the variant as pathogenic. Based on the evidence outlined above, the variant was classified as likely pathogenic.

Ambry Genetics
Classification: Pathogenic for Hereditary cancer-predisposing syndrome. Last evaluated: 2022-03-31. Review status: criteria provided, single submitter. Criteria: Ambry Variant Classification Scheme 2023. Collection method: clinical testing. Allele origin: germline.
Comment: The c.224_225dupAT pathogenic mutation, located in coding exon 2 of the RAD51C gene, results from a duplication of AT at nucleotide position 224, causing a translational frameshift with a predicted alternate stop codon (p.A76Mfs*26). This variant is considered to be rare based on population cohorts in the Genome Aggregation Database (gnomAD). This alteration is expected to result in loss of function by premature protein truncation or nonsense-mediated mRNA decay. As such, this alteration is interpreted as a disease-causing mutation.

Literature cited by the submitters: PubMed 20400964 (cited by Labcorp Genetics (formerly Invitae), Labcorp); PubMed 21990120 (cited by Labcorp Genetics (formerly Invitae), Labcorp); PubMed 24800917 (cited by Labcorp Genetics (formerly Invitae), Labcorp); PubMed 29278735 (cited by Labcorp Genetics (formerly Invitae), Labcorp); PubMed 32359370 (cited by Color Diagnostics, LLC DBA Color Health and Women's Health and Genetics/Laboratory Corporation of America, LabCorp).